The following is an entry in ClinVar:

NM_001161352.2(KCNMA1):c.298_309del (p.Gly100_Phe103del)

Gene: KCNMA1 (potassium calcium-activated channel subfamily M alpha 1; minus strand). Cytogenetic location: 10q22.3.
Variant type: Deletion.
Coding change: c.298_309del on transcript NM_001161352.2 (MANE Select); coding-DNA positions 298 to 309, 12 bases deleted (GGGGGCCTCTTC).
Protein change: p.Gly100_Phe103del.
Molecular consequence: inframe deletion.
Genome position (GRCh38, 1-based): chr10:77,637,334-77,637,345, GAAGAGGCCCCC deleted on the plus strand (GGGGGCCTCTTC on the coding strand, the reverse complement: KCNMA1 is on the minus strand); deleting any 12 consecutive bases within chr10:77,637,334-77,637,350 gives the same sequence; the c. name uses the placement nearest the transcript's 3' end. VCF-style (leftmost placement, unchanged base first): chr10-77637333-TGAAGAGGCCCCC-T. GRCh37 (hg19) VCF-style: chr10-79397091-TGAAGAGGCCCCC-T.
Other names: c.298_309del, p.Gly100_Phe103del (NM_001322836.2, NM_001322837.2, NM_001322839.2 and 12 more transcripts).
Identifiers: ClinVar variation 845122 (VCV000845122.10), dbSNP rs2093871879, ClinGen allele CA916083148.
Genomic context (GRCh38, chr10:77,637,333, plus strand): 5'-TGCCCCCGCAGTGGCAGCACACGGTCCACAGGTACTTGAGCGTCCGCCAGAGCAAGATGA[TGAAGAGGCCCCC>T]GAAGAAAGTCACCATGGAGGAGGCCAGGAAAGCCCACCACATGCGTTGGCCCCGGCTGTC-3'

ClinVar aggregate classification (germline): Uncertain significance (1 of 4 stars; one submission).

Conditions:
Generalized epilepsy-paroxysmal dyskinesia syndrome (PNKD3). Also called: Generalized epilepsy and paroxysmal dyskinesia; Paroxysmal nonkinesigenic dyskinesia, 3, with or without generalized epilepsy. Identifiers: Orphanet 79137, MedGen C5574945, MONDO:0012276, OMIM 609446.

Submission:

Labcorp Genetics (formerly Invitae), Labcorp
Classification: Uncertain significance for Generalized epilepsy-paroxysmal dyskinesia syndrome. Last evaluated: 2022-09-06. Review status: criteria provided, single submitter. Criteria: Invitae Variant Classification Sherloc (09022015). Collection method: clinical testing. Allele origin: germline.
Comment: In summary, the available evidence is currently insufficient to determine the role of this variant in disease. Therefore, it has been classified as a Variant of Uncertain Significance. Experimental studies and prediction algorithms are not available or were not evaluated, and the functional significance of this variant is currently unknown. ClinVar contains an entry for this variant (Variation ID: 845122). This variant has not been reported in the literature in individuals affected with KCNMA1-related conditions. This variant is not present in population databases (gnomAD no frequency). This variant, c.298_309del, results in the deletion of 4 amino acid(s) of the KCNMA1 protein (p.Gly100_Phe103del), but otherwise preserves the integrity of the reading frame.